The following is an entry in ClinVar:

NM_001655.5(ARCN1):c.1242G>A (p.Pro414=)

Gene: ARCN1 (archain 1 coat protein complex I subunit delta; plus strand). Cytogenetic location: 11q23.3.
Variant type: single nucleotide variant.
Coding change: c.1242G>A on transcript NM_001655.5 (MANE Select); coding-DNA position 1242, G replaced by A.
Protein change: p.Pro414=; no amino-acid change (proline 414 retained).
Molecular consequence: synonymous variant. On other transcripts: missense variant (1), non-coding transcript variant (2), intron variant (3).
Genome position (GRCh38, 1-based): chr11:118,597,707, G>A. VCF-style: chr11-118597707-G-A. GRCh37 (hg19) VCF-style: chr11-118468422-G-A.
Other names: c.978G>A, p.Pro326= (NM_001142281.2); c.1305G>A, p.Met435Ile (NM_001425073.1); c.1239G>A, p.Pro413= (NM_001425074.1); c.1185G>A, p.Pro395= (NM_001425075.1); c.1173G>A, p.Pro391= (NM_001425076.1); c.1077G>A, p.Pro359= (NM_001425077.1); c.798G>A, p.Pro266= (NM_001425080.1); c.1242-2918G>A (NM_001425078.1); and 2 more; short protein forms M435I.
Identifiers: ClinVar variation 4771121 (VCV004771121.1).

ClinVar aggregate classification (germline): Uncertain significance (1 of 4 stars; one submission).

gnomAD v4.1: 12 of 1,613,938 alleles (0.00074%); highest among the groups gnomAD compares: Non-Finnish European, 0.001%; no homozygotes.

Submission:

Labcorp Genetics (formerly Invitae), Labcorp
Classification: Uncertain significance. Last evaluated: 2025-03-05. Review status: criteria provided, single submitter. Criteria: Invitae Variant Classification Sherloc (09022015). Collection method: clinical testing. Allele origin: germline.
Comment: This sequence change affects codon 414 of the ARCN1 mRNA. It is a 'silent' change, meaning that it does not change the encoded amino acid sequence of the ARCN1 protein. It affects a nucleotide within the consensus splice site. This variant is not present in population databases (gnomAD no frequency). This variant has not been reported in the literature in individuals affected with ARCN1-related conditions. Algorithms developed to predict the effect of sequence changes on RNA splicing suggest that this variant is not likely to affect RNA splicing. In summary, the available evidence is currently insufficient to determine the role of this variant in disease. Therefore, it has been classified as a Variant of Uncertain Significance.